The following is an entry in ClinVar:

NM_001042492.3(NF1):c.4640del (p.Gly1547fs)

Gene: NF1 (neurofibromin 1; plus strand). Cytogenetic location: 17q11.2.
Variant type: Deletion.
Coding change: c.4640del on transcript NM_001042492.3 (MANE Select); coding-DNA position 4640, one base deleted (G; older notation c.4640delG).
Protein change: p.Gly1547fs; shifts the reading frame from glycine 1547.
Molecular consequence: frameshift variant.
Genome position (GRCh38, 1-based): chr17:31,261,773, G deleted; the last of 3 consecutive G bases (chr17:31,261,771-31,261,773); deleting any one gives the same sequence. VCF-style (leftmost placement, unchanged base first): chr17-31261770-TG-T. GRCh37 (hg19) VCF-style: chr17-29588788-TG-T.
Other names: c.4577delG, p.Gly1526Valfs (NM_000267.4); short protein forms G1547fs, G1526fs.
Identifiers: ClinVar variation 1455053 (VCV001455053.8), dbSNP rs2067690686, ClinGen allele CA499233868.

ClinVar aggregate classification (germline): Pathogenic. Review status: criteria provided, multiple submitters, no conflicts (2 of 4 stars). 2 submissions from 2 submitters: Pathogenic (2). Last evaluated 2023-05-22.

Conditions:
Neurofibromatosis, type 1 (NF1). Also called: Neurofibromatosis, type I; VON RECKLINGHAUSEN DISEASE; NEUROFIBROMATOSIS, TYPE I, SOMATIC; Peripheral type neurofibromatosis. Identifiers: Orphanet 636, MedGen C0027831, MONDO:0018975, OMIM 162200. Disease mechanism: loss of function.

Submissions (2):

GeneDx
Classification: Pathogenic. Last evaluated: 2023-05-22. Review status: criteria provided, single submitter. Criteria: GeneDx Variant Classification Process June 2021. Collection method: clinical testing. Allele origin: germline. Affected: yes.
Comment: Frameshift variant predicted to result in protein truncation or nonsense mediated decay in a gene for which loss of function is a known mechanism of disease; Not observed at significant frequency in large population cohorts (gnomAD); This variant is associated with the following publications: (PMID: 31766501)

Labcorp Genetics (formerly Invitae), Labcorp
Classification: Pathogenic for Neurofibromatosis, type 1. Last evaluated: 2021-05-26. Review status: criteria provided, single submitter. Criteria: Invitae Variant Classification Sherloc (09022015). Collection method: clinical testing. Allele origin: germline.
Comment: For these reasons, this variant has been classified as Pathogenic. This variant has been observed in individual(s) with neurofibromatosis type 1 (PMID: 31766501). This variant is not present in population databases (ExAC no frequency). This sequence change creates a premature translational stop signal (p.Gly1526Valfs*27) in the NF1 gene. It is expected to result in an absent or disrupted protein product. Loss-of-function variants in NF1 are known to be pathogenic (PMID: 10712197, 23913538).

Literature cited by the submitters: PubMed 31766501 (cited by Labcorp Genetics (formerly Invitae), Labcorp); PubMed 10712197 (cited by Labcorp Genetics (formerly Invitae), Labcorp); PubMed 23913538 (cited by Labcorp Genetics (formerly Invitae), Labcorp).